The following is an entry in ClinVar:

NM_004656.4(BAP1):c.1871G>A (p.Gly624Glu)

Gene: BAP1 (BRCA1 associated deubiquitinase 1; minus strand). Cytogenetic location: 3p21.1.
Variant type: single nucleotide variant.
Coding change: c.1871G>A on transcript NM_004656.4 (MANE Select); coding-DNA position 1871, G replaced by A.
Protein change: p.Gly624Glu; replaces glycine 624 with glutamic acid.
Molecular consequence: missense variant.
Genome position (GRCh38, 1-based): chr3:52,403,157, C>T on the plus strand (G>A on the coding strand, the complement: BAP1 is on the minus strand). VCF-style: chr3-52403157-C-T. GRCh37 (hg19) VCF-style: chr3-52437173-C-T.
Other names: c.1817G>A, p.Gly606Glu (NM_001410772.1); short protein forms G624E, G606E.
Identifiers: ClinVar variation 3986812 (VCV003986812.1).

ClinVar aggregate classification (germline): Uncertain significance (1 of 4 stars; one submission).

Conditions:
Hereditary cancer-predisposing syndrome. Also called: Tumor predisposition; Hereditary neoplastic syndrome; Neoplastic Syndromes, Hereditary; Hereditary Cancer Syndrome. Identifiers: Orphanet 140162, MedGen C0027672, MeSH D009386, MONDO:0015356.

gnomAD v4.1: 1 of 1,613,816 alleles (0.000062%); highest among the groups gnomAD compares: Non-Finnish European, 0.000085%; no homozygotes.

Submission:

Ambry Genetics
Classification: Uncertain significance for Hereditary cancer-predisposing syndrome. Last evaluated: 2025-03-30. Review status: criteria provided, single submitter. Criteria: Ambry Variant Classification Scheme 2023. Collection method: clinical testing. Allele origin: germline.
Comment: The p.G624E variant (also known as c.1871G>A), located in coding exon 14 of the BAP1 gene, results from a G to A substitution at nucleotide position 1871. The glycine at codon 624 is replaced by glutamic acid, an amino acid with similar properties. This amino acid position is conserved. In addition, the in silico prediction for this alteration is inconclusive. Based on the available evidence, the clinical significance of this variant remains unclear.